The following is an entry in ClinVar:

ClinVar aggregate classification (germline): Benign/Likely benign. Review status: criteria provided, multiple submitters, no conflicts (2 of 4 stars). 3 submissions from 3 submitters: Benign (1); Likely benign (2). Last evaluated 2024-10-21.

Allele frequency attached by ClinVar (database versions not stated): 1000 Genomes Project 0.00060; 1000 Genomes Project 30x 0.00062; ExAC 0.00138; gnomAD exomes 0.00149 and 0.00360; gnomAD 0.00166 and 0.00173; TOPMed 0.00169; ESP Exome Variant Server 0.00231.
gnomAD v4.1: 5,419 of 1,614,108 alleles (0.34%); highest among the groups gnomAD compares: Non-Finnish European, 0.44%; 20 homozygotes.

Submissions (3):

Blueprint Genetics
Classification: Likely benign. Last evaluated: 2024-10-21. Review status: criteria provided, single submitter. Criteria: ACMG Guidelines, 2015. Collection method: clinical testing. Allele origin: germline.

CeGaT Center for Human Genetics Tuebingen
Classification: Likely benign. Last evaluated: 2023-04-01. Review status: criteria provided, single submitter. Criteria: CeGaT Center For Human Genetics Tuebingen Variant Classification Criteria Version 2. Collection method: clinical testing. Allele origin: germline. Affected: yes. Observed: 3 variant alleles.
Comment: ARHGEF2: BP4, BP7, BS2

Labcorp Genetics (formerly Invitae), Labcorp
Classification: Benign. Last evaluated: 2019-12-31. Review status: criteria provided, single submitter. Criteria: Invitae Variant Classification Sherloc (09022015). Collection method: clinical testing. Allele origin: germline.

NM_001162383.2(ARHGEF2):c.852C>T (p.Asp284=)

Gene: ARHGEF2 (Rho/Rac guanine nucleotide exchange factor 2; minus strand). Cytogenetic location: 1q22.
Variant type: single nucleotide variant.
Coding change: c.852C>T on transcript NM_001162383.2 (MANE Select); coding-DNA position 852, C replaced by T.
Protein change: p.Asp284=; no amino-acid change (aspartic acid 284 retained).
Molecular consequence: synonymous variant.
Genome position (GRCh38, 1-based): chr1:155,963,056, G>A on the plus strand (C>T on the coding strand, the complement: ARHGEF2 is on the minus strand). VCF-style: chr1-155963056-G-A. GRCh37 (hg19) VCF-style: chr1-155932847-G-A.
Other names: c.849C>T, p.Asp283= (NM_001162384.2); c.771C>T, p.Asp257= (NM_001350110.2, NM_001350111.2); c.798C>T, p.Asp266= (NM_001350112.2); c.768C>T, p.Asp256= (NM_004723.4).
Identifiers: ClinVar variation 729577 (VCV000729577.29), dbSNP rs147593376, ClinGen allele CA1153418.